The following is an entry in ClinVar:

NM_000443.4(ABCB4):c.1731+2T>C

Gene: ABCB4 (ATP binding cassette subfamily B member 4; minus strand). Cytogenetic location: 7q21.12.
Variant type: single nucleotide variant.
Coding change: c.1731+2T>C on transcript NM_000443.4 (MANE Select); the canonical splice donor site of the intron after coding-DNA position 1731, T replaced by C.
Molecular consequence: splice donor variant.
Genome position (GRCh38, 1-based): chr7:87,439,665, A>G on the plus strand (T>C on the coding strand, the complement: ABCB4 is on the minus strand). VCF-style: chr7-87439665-A-G. GRCh37 (hg19) VCF-style: chr7-87068981-A-G.
Other names: c.1731+2T>C (NM_018850.3, NM_018849.3).
Identifiers: ClinVar variation 4846342 (VCV004846342.1).
Genomic context (GRCh38, chr7:87,439,665, plus strand): 5'-CTGGCAAGAATCTTCAATAGGTTTCAATGTGGTGGTCCTTCAGCTTTTTAGAGTCTACTG[A>G]CCTTATCCAGAGCTGCCTGTACCTCAGCTTCACTTTCTGTGTCCAATGCTGACGTGGCCT-3'

ClinVar aggregate classification (germline): Pathogenic (1 of 4 stars; one submission).

Conditions:
Familial intrahepatic cholestasis. Identifiers: Orphanet 284385, MedGen CN296401, MONDO:0017290.

Submission:

Genomenon, Inc
Classification: Pathogenic for Familial intrahepatic cholestasis. Last evaluated: 2026-04-14. Review status: criteria provided, single submitter. Criteria: Genomenon Sequence Variant Interpretation Standards - Updated. Collection method: curation. Allele origin: germline. Affected: yes.
Comment: ABCB4 c.1731+2T>C is a canonical splice variant affecting the donor splice site of intron 14. It is predicted to affect mRNA splicing, leading to a deleterious effect on the ABCB4 protein. This variant has been observed in at least one proband with an ABCB4-related disorder (PMID:34961929). It is absent or not present at a significant frequency in gnomAD. In conclusion, we classify ABCB4 c.1731+2T>C as a pathogenic variant.

Literature cited by the submitters: PubMed 34961929.